The following is an entry in ClinVar:

ClinVar aggregate classification (germline): Uncertain significance. Review status: criteria provided, multiple submitters, no conflicts (2 of 4 stars). 2 submissions from 2 submitters: Uncertain significance (2). Last evaluated 2024-03-25.

Conditions:
Joubert syndrome. Also called: CEREBELLOPARENCHYMAL DISORDER IV; JOUBERT-BOLTSHAUSER SYNDROME; Familial aplasia of the vermis. Identifiers: Orphanet 475, MedGen C5979921, MONDO:0018772.
Orofaciodigital syndrome I (OFD1). Also called: OFDS I; Papillon-Leage and Psaume Syndrome; Oral-Facial-Digital Syndrome Type I. Identifiers: Orphanet 2750, MedGen C1510460, MONDO:0010702, OMIM 311200.
Simpson-Golabi-Behmel syndrome type 2. Identifiers: Orphanet 79022, MedGen C1846175, MONDO:0010265, OMIM 300209.
Joubert syndrome 10 (JBTS10). Identifiers: Orphanet 2754, MedGen C2749019, MONDO:0010431, OMIM 300804.
Retinitis pigmentosa 23 (RP23). Identifiers: Orphanet 791, MedGen C1419610, MONDO:0010320, OMIM 300424.

Allele frequency attached by ClinVar (database versions not stated): gnomAD exomes below 0.00001.
gnomAD v4.1: 2 of 1,211,560 alleles (0.00017%); highest among the groups gnomAD compares: Non-Finnish European, 0.00022%; no homozygotes.

Submissions (2):

Fulgent Genetics
Classification: Uncertain significance for Simpson-Golabi-Behmel syndrome type 2; Retinitis pigmentosa 23; Joubert syndrome 10; Orofaciodigital syndrome I. Last evaluated: 2024-03-25. Review status: criteria provided, single submitter. Criteria: ACMG Guidelines, 2015. Collection method: clinical testing. Allele origin: germline.

Labcorp Genetics (formerly Invitae), Labcorp
Classification: Uncertain significance for Orofaciodigital syndrome I; Joubert syndrome. Last evaluated: 2024-02-23. Review status: criteria provided, single submitter. Criteria: Invitae Variant Classification Sherloc (09022015). Collection method: clinical testing. Allele origin: germline.
Comment: This sequence change replaces cysteine, which is neutral and slightly polar, with tryptophan, which is neutral and slightly polar, at codon 581 of the OFD1 protein (p.Cys581Trp). This variant is not present in population databases (gnomAD no frequency). This variant has not been reported in the literature in individuals affected with OFD1-related conditions. Advanced modeling of protein sequence and biophysical properties (such as structural, functional, and spatial information, amino acid conservation, physicochemical variation, residue mobility, and thermodynamic stability) performed at Invitae indicates that this missense variant is not expected to disrupt OFD1 protein function with a negative predictive value of 80%. In summary, the available evidence is currently insufficient to determine the role of this variant in disease. Therefore, it has been classified as a Variant of Uncertain Significance.

NM_003611.3(OFD1):c.1743C>G (p.Cys581Trp)

Gene: OFD1 (OFD1 centriole and centriolar satellite protein; plus strand). Cytogenetic location: Xp22.2.
Variant type: single nucleotide variant.
Coding change: c.1743C>G on transcript NM_003611.3 (MANE Select); coding-DNA position 1743, C replaced by G.
Protein change: p.Cys581Trp; replaces cysteine 581 with tryptophan.
Molecular consequence: missense variant.
Genome position (GRCh38, 1-based): chrX:13,760,203, C>G. VCF-style: chrX-13760203-C-G. GRCh37 (hg19) VCF-style: chrX-13778322-C-G.
Other names: c.1623C>G, p.Cys541Trp (NM_001330209.2); c.1323C>G, p.Cys441Trp (NM_001330210.2); short protein forms C441W, C581W, C541W.
Identifiers: ClinVar variation 2941019 (VCV002941019.4), dbSNP rs983722470, ClinGen allele CA326120258.
Genomic context (GRCh38, chrX:13,760,203, plus strand): 5'-AAAGCAGTCTGTGATCGATCGTTCTGTCAATGGATTAATAAATGGCAATGTGGTGCCTTG[C>G]AATGGTGAGATAAGTGGGGATTTCTTGAACAATCCTTTTAAACAGGAAAACGTTCTAGCA-3'
Protein context (NP_003602.1, residues 571-591): NGLINGNVVP[Cys581Trp]NGEISGDFLN